The following is an entry in ClinVar:

ClinVar aggregate classification (germline): Uncertain significance (1 of 4 stars; one submission).

Submission:

GeneDx
Classification: Uncertain significance. Last evaluated: 2022-06-03. Review status: criteria provided, single submitter. Criteria: GeneDx Variant Classification Process June 2021. Collection method: clinical testing. Allele origin: germline. Affected: yes.
Comment: Not observed at significant frequency in large population cohorts (gnomAD); In silico analysis supports that this missense variant does not alter protein structure/function; Has not been previously published as pathogenic or benign to our knowledge

NM_001394372.1(BICRA):c.4414G>T (p.Ala1472Ser)

Gene: BICRA (BRD4 interacting chromatin remodeling complex associated protein; plus strand). Cytogenetic location: 19q13.33.
Variant type: single nucleotide variant.
Coding change: c.4414G>T on transcript NM_001394372.1 (MANE Select); coding-DNA position 4414, G replaced by T.
Protein change: p.Ala1472Ser; replaces alanine 1472 with serine.
Molecular consequence: missense variant.
Genome position (GRCh38, 1-based): chr19:47,702,146, G>T. VCF-style: chr19-47702146-G-T. GRCh37 (hg19) VCF-style: chr19-48205403-G-T.
Other names: c.4414G>T, p.Ala1472Ser (NM_015711.3); short protein forms A1472S.
Identifiers: ClinVar variation 1801890 (VCV001801890.1), dbSNP rs908538429, ClinGen allele CA309196335.